The following is an entry in ClinVar:

ClinVar aggregate classification (germline): Uncertain significance (1 of 4 stars; one submission).

Conditions:
Progressive myoclonic epilepsy. Also called: Familial progressive myoclonic epilepsy; Myoclonic Epilepsies, Progressive; Myoclonus epilepsy; Progressive myoclonus epilepsy. Identifiers: Orphanet 308, Orphanet 98261, MedGen C0751778, MONDO:0020074.

gnomAD v4.1: 1 of 1,528,904 alleles (0.000065%); no homozygotes.

Submission:

Labcorp Genetics (formerly Invitae), Labcorp
Classification: Uncertain significance for Progressive myoclonic epilepsy. Last evaluated: 2021-11-16. Review status: criteria provided, single submitter. Criteria: Invitae Variant Classification Sherloc (09022015). Collection method: clinical testing. Allele origin: germline.
Comment: This sequence change replaces threonine, which is neutral and polar, with lysine, which is basic and polar, at codon 9 of the CSTB protein (p.Thr9Lys). This variant is not present in population databases (gnomAD no frequency). In summary, the available evidence is currently insufficient to determine the role of this variant in disease. Therefore, it has been classified as a Variant of Uncertain Significance. Algorithms developed to predict the effect of missense changes on protein structure and function (SIFT, PolyPhen-2, Align-GVGD) all suggest that this variant is likely to be tolerated. This variant has not been reported in the literature in individuals affected with CSTB-related conditions.

NM_000100.4(CSTB):c.26C>A (p.Thr9Lys)

Genes: CSTB (cystatin B; minus strand), LOC130066788 (ATAC-STARR-seq lymphoblastoid silent region 13368; plus strand). Cytogenetic location: 21q22.3.
Variant type: single nucleotide variant.
Coding change: c.26C>A on transcript NM_000100.4 (MANE Select); coding-DNA position 26, C replaced by A.
Protein change: p.Thr9Lys; replaces threonine 9 with lysine.
Molecular consequence: missense variant.
Genome position (GRCh38, 1-based): chr21:43,776,244, G>T on the plus strand (C>A on the coding strand, the complement: CSTB is on the minus strand). VCF-style: chr21-43776244-G-T. GRCh37 (hg19) VCF-style: chr21-45196125-G-T.
Other names: short protein forms T9K.
Identifiers: ClinVar variation 1472370 (VCV001472370.6), dbSNP rs778785343, ClinGen allele CA410408672.